The following is an entry in ClinVar:

ClinVar aggregate classification (germline): Uncertain significance (1 of 4 stars; one submission).

Allele frequency attached by ClinVar (database versions not stated): gnomAD exomes 0.00001; ExAC 0.00002.
gnomAD v4.1: 6 of 1,614,108 alleles (0.00037%); highest among the groups gnomAD compares: South Asian, 0.0066%; no homozygotes.

Submission:

Labcorp Genetics (formerly Invitae), Labcorp
Classification: Uncertain significance. Last evaluated: 2022-12-02. Review status: criteria provided, single submitter. Criteria: Invitae Variant Classification Sherloc (09022015). Collection method: clinical testing. Allele origin: germline.
Comment: In summary, the available evidence is currently insufficient to determine the role of this variant in disease. Therefore, it has been classified as a Variant of Uncertain Significance. Algorithms developed to predict the effect of missense changes on protein structure and function (SIFT, PolyPhen-2, Align-GVGD) all suggest that this variant is likely to be tolerated. This variant has not been reported in the literature in individuals affected with PACS2-related conditions. This variant is present in population databases (rs782227644, gnomAD 0.006%). This sequence change replaces lysine, which is basic and polar, with glutamic acid, which is acidic and polar, at codon 234 of the PACS2 protein (p.Lys234Glu).

NM_001100913.3(PACS2):c.700A>G (p.Lys234Glu)

Gene: PACS2 (phosphofurin acidic cluster sorting protein 2; plus strand). Cytogenetic location: 14q32.33.
Variant type: single nucleotide variant.
Coding change: c.700A>G on transcript NM_001100913.3 (MANE Select); coding-DNA position 700, A replaced by G.
Protein change: p.Lys234Glu; replaces lysine 234 with glutamic acid.
Molecular consequence: missense variant.
Genome position (GRCh38, 1-based): chr14:105,368,498, A>G. VCF-style: chr14-105368498-A-G. GRCh37 (hg19) VCF-style: chr14-105834835-A-G.
Other names: c.499A>G, p.Lys167Glu (NM_001243127.3); c.700A>G, p.Lys234Glu (NM_015197.4); short protein forms K234E, K167E.
Identifiers: ClinVar variation 2990681 (VCV002990681.3), dbSNP rs782227644, ClinGen allele CA7388511.